The following is an entry in ClinVar:

NM_001099403.2(PRDM8):c.1615C>T (p.Pro539Ser)

Gene: PRDM8 (PR/SET domain 8; plus strand). Cytogenetic location: 4q21.21.
Variant type: single nucleotide variant.
Coding change: c.1615C>T on transcript NM_001099403.2 (MANE Select); coding-DNA position 1615, C replaced by T.
Protein change: p.Pro539Ser; replaces proline 539 with serine.
Molecular consequence: missense variant.
Genome position (GRCh38, 1-based): chr4:80,203,077, C>T. VCF-style: chr4-80203077-C-T. GRCh37 (hg19) VCF-style: chr4-81124231-C-T.
Other names: c.1615C>T, p.Pro539Ser (NM_020226.4); short protein forms P539S.
Identifiers: ClinVar variation 1474434 (VCV001474434.8), dbSNP rs755993425, ClinGen allele CA2982413.
Genomic context (GRCh38, chr4:80,203,077, plus strand): 5'-AAGCTGGGCGCGCTCGAGCCATGCCACCCCGCCGACGGCGTGGGCCCCACCAGACTCTAT[C>T]CCGCCGCCGCGGACCCTCTAGCGGTGAAGCTCCAGGGGGCCGCGGACCTGAACGGAGGTT-3'
Protein context (NP_001092873.1, residues 529-549): ADGVGPTRLY[Pro539Ser]AAADPLAVKL

ClinVar aggregate classification (germline): Uncertain significance (1 of 4 stars; one submission).

Conditions:
Early-onset Lafora body disease. Also called: Epilepsy, progressive myoclonic, 10. Identifiers: Orphanet 324290, MedGen C4225258, MONDO:0014717, OMIM 616640.

Allele frequency attached by ClinVar (database versions not stated): ExAC 0.00007.
gnomAD v4.1: 32 of 1,568,032 alleles (0.002%); highest among the groups gnomAD compares: Non-Finnish European, 0.0026%; no homozygotes.

Submission:

Labcorp Genetics (formerly Invitae), Labcorp
Classification: Uncertain significance for Early-onset Lafora body disease. Last evaluated: 2020-12-15. Review status: criteria provided, single submitter. Criteria: Invitae Variant Classification Sherloc (09022015). Collection method: clinical testing. Allele origin: germline.
Comment: This sequence change replaces proline with serine at codon 539 of the PRDM8 protein (p.Pro539Ser). The proline residue is moderately conserved and there is a moderate physicochemical difference between proline and serine. This variant is present in population databases (rs755993425, ExAC 0.02%). This variant has not been reported in the literature in individuals with PRDM8-related conditions. Algorithms developed to predict the effect of missense changes on protein structure and function (SIFT, PolyPhen-2, Align-GVGD) all suggest that this variant is likely to be tolerated, but these predictions have not been confirmed by published functional studies and their clinical significance is uncertain. In summary, the available evidence is currently insufficient to determine the role of this variant in disease. Therefore, it has been classified as a Variant of Uncertain Significance.